The following is an entry in ClinVar:

NM_004168.4(SDHA):c.1285G>C (p.Asp429His)

Gene: SDHA (succinate dehydrogenase complex flavoprotein subunit A; plus strand). Cytogenetic location: 5p15.33.
Variant type: single nucleotide variant.
Coding change: c.1285G>C on transcript NM_004168.4 (MANE Select); coding-DNA position 1285, G replaced by C.
Protein change: p.Asp429His; replaces aspartic acid 429 with histidine.
Molecular consequence: missense variant.
Genome position (GRCh38, 1-based): chr5:236,452, G>C. VCF-style: chr5-236452-G-C. GRCh37 (hg19) VCF-style: chr5-236567-G-C.
Other names: c.1141G>C, p.Asp381His (NM_001294332.2); c.1285G>C, p.Asp429His (NM_001330758.2); short protein forms D381H, D429H.
Identifiers: ClinVar variation 1768956 (VCV001768956.2), dbSNP rs988419580, ClinGen allele CA359013848.

ClinVar aggregate classification (germline): Uncertain significance (1 of 4 stars; one submission).

Conditions:
Hereditary cancer-predisposing syndrome. Also called: Hereditary Cancer Syndrome; Hereditary neoplastic syndrome; Neoplastic Syndromes, Hereditary; Tumor predisposition. Identifiers: Orphanet 140162, MedGen C0027672, MeSH D009386, MONDO:0015356.

Allele frequency attached by ClinVar (database versions not stated): gnomAD exomes below 0.00001.
gnomAD v4.1: 2 of 1,613,986 alleles (0.00012%); highest among the groups gnomAD compares: Non-Finnish European, 0.00017%; no homozygotes.

Submission:

Ambry Genetics
Classification: Uncertain significance for Hereditary cancer-predisposing syndrome. Last evaluated: 2022-02-13. Review status: criteria provided, single submitter. Criteria: Ambry Variant Classification Scheme 2023. Collection method: clinical testing. Allele origin: germline.
Comment: The p.D429H variant (also known as c.1285G>C), located in coding exon 10 of the SDHA gene, results from a G to C substitution at nucleotide position 1285. The aspartic acid at codon 429 is replaced by histidine, an amino acid with similar properties. This amino acid position is conserved. In addition, the in silico prediction for this alteration is inconclusive. Since supporting evidence is limited at this time, the clinical significance of this alteration remains unclear.